The following is an entry in ClinVar:

NM_019066.5(MAGEL2):c.538G>A (p.Val180Met)

Gene: MAGEL2 (MAGE family member L2; minus strand). Cytogenetic location: 15q11.2.
Variant type: single nucleotide variant.
Coding change: c.538G>A on transcript NM_019066.5 (MANE Select); coding-DNA position 538, G replaced by A.
Protein change: p.Val180Met; replaces valine 180 with methionine.
Molecular consequence: missense variant.
Genome position (GRCh38, 1-based): chr15:23,647,205, C>T on the plus strand (G>A on the coding strand, the complement: MAGEL2 is on the minus strand). VCF-style: chr15-23647205-C-T. GRCh37 (hg19) VCF-style: chr15-23892352-C-T.
Other names: short protein forms V180M.
Identifiers: ClinVar variation 3869657 (VCV003869657.2).
Genomic context (GRCh38, chr15:23,647,205, plus strand): 5'-CCATCGGTGTCCCCGGAGGGGGAGGATGAGCCATCGGGGTCCCCGGAGGAGGAGGATGCA[C>T]CATCGGGGTCCCCGGAGGAGGAGGATGGGCCATCGGGGTCCCCGGAGGAGGAGGATGGGC-3'
Protein context (NP_061939.3, residues 170-190): AHPPPPGTPM[Val180Met]HPPPPGTPMA

ClinVar aggregate classification (germline): Uncertain significance. Review status: criteria provided, multiple submitters, no conflicts (2 of 4 stars). 2 submissions from 2 submitters: Uncertain significance (2). Last evaluated 2025-09-09.

Conditions:
Inborn genetic diseases. Identifiers: MedGen C0950123, MeSH D030342.
MAGEL2-related disorder. Also called: MAGEL2-related condition.

Submissions (2):

PreventionGenetics, part of Exact Sciences
Classification: Uncertain significance for MAGEL2-related condition. Last evaluated: 2025-09-09. Review status: criteria provided, single submitter. Criteria: ACMG Guidelines, 2015. Collection method: clinical testing. Allele origin: germline.
Comment: The MAGEL2 c.538G>A variant is predicted to result in the amino acid substitution p.Val180Met. To our knowledge, this variant has not been reported in the literature. This variant is reported in 0.0043% of alleles in individuals of Latino descent in gnomAD. At this time, the clinical significance of this variant is uncertain due to the absence of conclusive functional and genetic evidence.

Ambry Genetics
Classification: Uncertain significance for Inborn genetic diseases. Last evaluated: 2025-01-17. Review status: criteria provided, single submitter. Criteria: Ambry Variant Classification Scheme 2023. Collection method: clinical testing. Allele origin: germline.